The following is an entry in ClinVar:

ClinVar aggregate classification (germline): Uncertain significance (1 of 4 stars; one submission).

Conditions:
Gastrointestinal stromal tumor. Also called: Gastrointestinal stromal tumor, somatic; Gastrointestinal stroma tumor. Identifiers: Orphanet 44890, MedGen C0238198, MeSH D046152, MONDO:0011719, OMIM 606764, HP:0100723.

Submission:

Labcorp Genetics (formerly Invitae), Labcorp
Classification: Uncertain significance for Gastrointestinal stromal tumor. Last evaluated: 2020-09-09. Review status: criteria provided, single submitter. Criteria: Invitae Variant Classification Sherloc (09022015). Collection method: clinical testing. Allele origin: germline.
Comment: This variant results in a copy number gain of the genomic region encompassing exon(s) 13-23 of the PDGFRA gene. The 5' boundary is likely confined to intron 12. The 3' end of this event is unknown as it extends beyond the assayed region for this gene and therefore may encompass additional genes. As the precise location of this event is unknown, it may be in tandem or it may be located elsewhere in the genome. This variant has not been reported in the literature in individuals with PDGFRA-related conditions. Experimental studies and prediction algorithms are not available or were not evaluated, and the functional significance of this variant is currently unknown. In summary, the available evidence is currently insufficient to determine the role of this variant in disease. Therefore, it has been classified as a Variant of Uncertain Significance.

NC_000004.11:g.(?_55143545)_(55161473_?)dup

Gene: PDGFRA (platelet derived growth factor receptor alpha; plus strand). Cytogenetic location: 4q12.
Variant type: Duplication.
Identifiers: ClinVar variation 1003960 (VCV001003960.1).